The following is an entry in ClinVar:

ClinVar aggregate classification (germline): Uncertain significance (1 of 4 stars; one submission).

gnomAD v4.1: 7 of 1,613,998 alleles (0.00043%); highest among the groups gnomAD compares: Non-Finnish European, 0.00051%; no homozygotes.

Submission:

Labcorp Genetics (formerly Invitae), Labcorp
Classification: Uncertain significance. Last evaluated: 2024-03-24. Review status: criteria provided, single submitter. Criteria: Invitae Variant Classification Sherloc (09022015). Collection method: clinical testing. Allele origin: germline.
Comment: This sequence change replaces aspartic acid, which is acidic and polar, with histidine, which is basic and polar, at codon 256 of the LIPG protein (p.Asp256His). This variant is not present in population databases (gnomAD no frequency). This variant has not been reported in the literature in individuals affected with LIPG-related conditions. An algorithm developed to predict the effect of missense changes on protein structure and function (PolyPhen-2) suggests that this variant is likely to be disruptive. In summary, the available evidence is currently insufficient to determine the role of this variant in disease. Therefore, it has been classified as a Variant of Uncertain Significance.

NM_006033.4(LIPG):c.766G>C (p.Asp256His)

Gene: LIPG (lipase G, endothelial type; plus strand). Cytogenetic location: 18q21.1.
Variant type: single nucleotide variant.
Coding change: c.766G>C on transcript NM_006033.4 (MANE Select); coding-DNA position 766, G replaced by C.
Protein change: p.Asp256His; replaces aspartic acid 256 with histidine.
Molecular consequence: missense variant. On other transcripts: intron variant (1).
Genome position (GRCh38, 1-based): chr18:49,575,563, G>C. VCF-style: chr18-49575563-G-C. GRCh37 (hg19) VCF-style: chr18-47101933-G-C.
Other names: c.572-5852G>C (NM_001308006.2); short protein forms D256H.
Identifiers: ClinVar variation 3643071 (VCV003643071.2).